The following is an entry in ClinVar:

NM_005087.4(FXR1):c.1603+733del

Gene: FXR1 (FMR1 autosomal homolog 1; plus strand). Cytogenetic location: 3q26.33.
Variant type: Deletion.
Coding change: c.1603+733del on transcript NM_005087.4 (MANE Select); 733 bases into the intron after coding-DNA position 1603, one base deleted (A; older notation c.1603+733delA).
Molecular consequence: intron variant.
Genome position (GRCh38, 1-based): chr3:180,971,091, A deleted; the last of 8 consecutive A bases (chr3:180,971,084-180,971,091); deleting any one gives the same sequence. VCF-style (leftmost placement, unchanged base first): chr3-180971083-GA-G. GRCh37 (hg19) VCF-style: chr3-180688871-GA-G.
Other names: c.1348+733del (NM_001013439.3, NM_001363882.1); c.1603+733del (NM_001013438.3).
Identifiers: ClinVar variation 828055 (VCV000828055.4), dbSNP rs769011065, ClinGen allele CA548350267.

ClinVar aggregate classification (germline): Uncertain significance. Review status: criteria provided, single submitter (1 of 4 stars). 2 submissions from 2 submitters: Uncertain significance (1). 1 of the submissions does not count toward it. Last evaluated 2020-05-28.

Conditions:
Myopathy, congenital proximal, with minicore lesions. Identifiers: MedGen C5394193, MONDO:0032937, OMIM 618823.
Multiminicore myopathy. Identifiers: Orphanet 598, MedGen C0270962, MONDO:0018948.

Submissions (2):

Broad Center for Mendelian Genomics, Broad Institute of MIT and Harvard
Classification: Uncertain significance for Multiminicore myopathy. Last evaluated: 2020-05-28. Review status: criteria provided, single submitter. Criteria: ACMG Guidelines, 2015. Collection method: research. Allele origin: germline. Inheritance: Autosomal recessive inheritance.
Comment: The homozygous p.Lys569AsnfsTer57 variant in FXR1 was identified by our study in 3 siblings with multiminicore myopathy (PMID: 30770808). Data from large population studies is insufficient to assess the frequency of this variant. This variant is predicted to cause a frameshift, which alters the proteinâ€™s amino acid sequence beginning at position 569 and leads to a premature termination codon 57 amino acids downstream. This alteration is then predicted to lead to a truncated or absent protein. While there is some evidence to suggest that loss of function of the FXR1 gene is a disease mechanism in autosomal recessive multiminicore myopathy, this association is not yet strongly established based on the criteria laid out in Tayoun, 2018 (PMID: 30192042). Furthermore, although this gene has been reported in association with multiminicore myopathy, it currently has moderate evidence for these associations. In summary, the clinical significance of the p.Lys569AsnfsTer57 variant is uncertain. ACMG/AMP Criteria applied: PVS1_Moderate, PM3_Supporting, PP1 (Richards 2015).

OMIM
Classification: Pathogenic for CONGENITAL MYOPATHY 9B, PROXIMAL, WITH MINICORE LESIONS. Last evaluated: 2024-07-16. Review status: no assertion criteria provided. Collection method: literature only. Allele origin: germline. Not counted in ClinVar's aggregate classification.

Literature cited by the submitters: PubMed 30770808 (cited by OMIM).